The following is an entry in ClinVar:

NM_006846.4(SPINK5):c.-19G>A

Gene: SPINK5 (serine peptidase inhibitor Kazal type 5; plus strand). Cytogenetic location: 5q32.
Variant type: single nucleotide variant.
Coding change: c.-19G>A on transcript NM_006846.4 (MANE Select); 19 bases upstream of the start codon, G replaced by A.
Molecular consequence: 5 prime UTR variant.
Genome position (GRCh38, 1-based): chr5:148,064,026, G>A. VCF-style: chr5-148064026-G-A. GRCh37 (hg19) VCF-style: chr5-147443589-G-A.
Other names: c.-19G>A (NM_001127698.2, NM_001127699.2).
Identifiers: ClinVar variation 904043 (VCV000904043.5), dbSNP rs12522603, ClinGen allele CA3495065.

ClinVar aggregate classification (germline): Benign. Review status: criteria provided, multiple submitters, no conflicts (2 of 4 stars). 2 submissions from 2 submitters: Benign (2). Last evaluated 2017-04-27.

Conditions:
Netherton syndrome (NETH). Also called: ERYTHRODERMA, ICHTHYOSIFORM, WITH HYPOTRICHOSIS AND HYPER-IgE; COMEL-NETHERTON SYNDROME; NETHERTON DISEASE. Identifiers: Orphanet 634, MedGen C5574950, MONDO:0009735, OMIM 256500.

Allele frequency attached by ClinVar (database versions not stated): 1000 Genomes Project 30x 0.00219; 1000 Genomes Project 0.00220; ESP Exome Variant Server 0.00605; TOPMed 0.00608; gnomAD 0.00647 and 0.00660; ExAC 0.00831; gnomAD exomes 0.00834.

Submissions (2):

Illumina Laboratory Services, Illumina
Classification: Benign for Netherton syndrome. Last evaluated: 2017-04-27. Review status: criteria provided, single submitter. Criteria: ICSL Variant Classification Criteria 13 December 2019. Collection method: clinical testing. Allele origin: germline.
Comment: This variant was observed as part of a predisposition screen in an ostensibly healthy population. A literature search was performed for the gene, cDNA change, and amino acid change (where applicable). No publications were found based on this search. Allele frequency data from public databases was too high to be consistent with this variant causing disease. Therefore, this variant is classified as benign.

GeneDx
Classification: Benign. Last evaluated: 2015-03-03. Review status: criteria provided, single submitter. Criteria: GeneDx Variant Classification Process June 2021. Collection method: clinical testing. Allele origin: germline. Affected: yes.